The following is an entry in ClinVar:

NM_032444.4(SLX4):c.4003G>T (p.Gly1335Cys)

Gene: SLX4 (SLX4 structure-specific endonuclease subunit; minus strand). Cytogenetic location: 16p13.3.
Variant type: single nucleotide variant.
Coding change: c.4003G>T on transcript NM_032444.4 (MANE Select); coding-DNA position 4003, G replaced by T.
Protein change: p.Gly1335Cys; replaces glycine 1335 with cysteine.
Molecular consequence: missense variant.
Genome position (GRCh38, 1-based): chr16:3,589,635, C>A on the plus strand (G>T on the coding strand, the complement: SLX4 is on the minus strand). VCF-style: chr16-3589635-C-A. GRCh37 (hg19) VCF-style: chr16-3639636-C-A.
Other names: short protein forms G1335C.
Identifiers: ClinVar variation 852036 (VCV000852036.9), dbSNP rs367562934, ClinGen allele CA7865767.

ClinVar aggregate classification (germline): Uncertain significance (1 of 4 stars; one submission).

Conditions:
Fanconi anemia (FA). Also called: Fanconi's anemia. Identifiers: Orphanet 84, MedGen C0015625, MeSH D005199, MONDO:0019391.

Allele frequency attached by ClinVar (database versions not stated): TOPMed 0.00005.
gnomAD v4.1: 7 of 1,613,860 alleles (0.00043%); highest among the groups gnomAD compares: African/African-American, 0.0093%; no homozygotes.

Submission:

Labcorp Genetics (formerly Invitae), Labcorp
Classification: Uncertain significance for Fanconi anemia. Last evaluated: 2025-06-12. Review status: criteria provided, single submitter. Criteria: Invitae Variant Classification Sherloc (09022015). Collection method: clinical testing. Allele origin: germline.
Comment: This sequence change replaces glycine, which is neutral and non-polar, with cysteine, which is neutral and slightly polar, at codon 1335 of the SLX4 protein (p.Gly1335Cys). The frequency data for this variant in the population databases is considered unreliable, as metrics indicate poor data quality at this position in the gnomAD database. This variant has not been reported in the literature in individuals affected with SLX4-related conditions. ClinVar contains an entry for this variant (Variation ID: 852036). An algorithm developed to predict the effect of missense changes on protein structure and function (PolyPhen-2) suggests that this variant is likely to be disruptive. In summary, the available evidence is currently insufficient to determine the role of this variant in disease. Therefore, it has been classified as a Variant of Uncertain Significance.